The following is an entry in ClinVar:

ClinVar aggregate classification (germline): Likely pathogenic (1 of 4 stars; one submission).

Submission:

CeGaT Center for Human Genetics Tuebingen
Classification: Likely pathogenic. Last evaluated: 2024-12-01. Review status: criteria provided, single submitter. Criteria: CeGaT Center For Human Genetics Tuebingen Variant Classification Criteria Version 2. Collection method: clinical testing. Allele origin: germline. Affected: yes. Observed: 1 variant allele.
Comment: WFS1: PVS1:Strong, PM2, PM3:Supporting

NM_006005.3(WFS1):c.1362C>A (p.Tyr454Ter)

Gene: WFS1 (wolframin ER transmembrane glycoprotein; plus strand). Cytogenetic location: 4p16.1.
Variant type: single nucleotide variant.
Coding change: c.1362C>A on transcript NM_006005.3 (MANE Select); coding-DNA position 1362, C replaced by A.
Protein change: p.Tyr454Ter; replaces tyrosine 454 with a stop codon.
Molecular consequence: nonsense.
Genome position (GRCh38, 1-based): chr4:6,301,157, C>A. VCF-style: chr4-6301157-C-A. GRCh37 (hg19) VCF-style: chr4-6302884-C-A.
Other names: c.1362C>A, p.Tyr454Ter (NM_001145853.1); short protein forms Y454*.
Identifiers: ClinVar variation 3390267 (VCV003390267.14).